The following is an entry in ClinVar:

NM_001365276.2(TNXB):c.8076C>G (p.Tyr2692Ter)

Gene: TNXB (tenascin XB; minus strand). Cytogenetic location: 6p21.33.
Variant type: single nucleotide variant.
Coding change: c.8076C>G on transcript NM_001365276.2 (MANE Select); coding-DNA position 8076, C replaced by G.
Protein change: p.Tyr2692Ter; replaces tyrosine 2692 with a stop codon.
Molecular consequence: nonsense.
Genome position (GRCh38, 1-based): chr6:32,056,653, G>C on the plus strand (C>G on the coding strand, the complement: TNXB is on the minus strand). VCF-style: chr6-32056653-G-C. GRCh37 (hg19) VCF-style: chr6-32024430-G-C.
Other names: c.8817C>G, p.Tyr2939Ter (NM_001428335.1); c.8076C>G, p.Tyr2692Ter (NM_019105.8); short protein forms Y2692*, Y2939*.
Identifiers: ClinVar variation 5014283 (VCV005014283.1).

ClinVar aggregate classification (germline): Pathogenic (1 of 4 stars; one submission).

Conditions:
Ehlers-Danlos syndrome due to tenascin-X deficiency (EDSCLL1). Also called: Ehlers-Danlos syndrome, classic-like, 1; EHLERS-DANLOS SYNDROME, CLASSIC-LIKE; TNXB-Related Classical-Like Ehlers-Danlos Syndrome; EDS DUE TO TNX DEFICIENCY; TNX DEFICIENCY. Identifiers: Orphanet 230839, MedGen C1848029, MONDO:0011670, OMIM 606408.

Submission:

Myriad Genetics, Inc.
Classification: Pathogenic for Ehlers-Danlos syndrome due to tenascin-X deficiency. Last evaluated: 2025-04-01. Review status: criteria provided, single submitter. Criteria: Myriad Autosomal Dominant, Autosomal Recessive and X-Linked Classification Criteria (2023). Collection method: clinical testing. Allele origin: unknown.
Comment: NM_019105.6(TNXB):c.8076C>G(Y2692*) is expected to be pathogenic in the context of classical-like Ehlers-Danlos syndrome, TNXB-related. This variant is predicted to lead to an abnormal or absent protein product due to the creation of a premature termination codon in TNXB, a gene where loss-of-function variants are known to be pathogenic. Please note: this variant was assessed in the context of healthy population screening.